The following is an entry in ClinVar:

ClinVar aggregate classification (germline): Likely benign. Review status: criteria provided, multiple submitters, no conflicts (2 of 4 stars). 3 submissions from 3 submitters: Likely benign (2). 1 of the submissions does not count toward it. Last evaluated 2025-10-23.

Conditions:
DNMT3A-related disorder. Also called: DNMT3A-related disorders; DNMT3A-related condition.
Tatton-Brown-Rahman overgrowth syndrome. Also called: Tall stature-intellectual disability-facial dysmorphism syndrome; Tatton-Brown-Rahman syndrome. Identifiers: Orphanet 404443, MedGen C4014545, MONDO:0014382, OMIM 615879.
Inborn genetic diseases. Identifiers: MedGen C0950123, MeSH D030342.

Allele frequency attached by ClinVar (database versions not stated): ExAC 0.00007; gnomAD exomes 0.00007 and 0.00003; TOPMed 0.00015; 1000 Genomes Project 30x 0.00016; gnomAD 0.00017 and 0.00018; 1000 Genomes Project 0.00020; ESP Exome Variant Server 0.00031.
gnomAD v4.1: 77 of 1,613,852 alleles (0.0048%); highest among the groups gnomAD compares: African/African-American, 0.055%; no homozygotes.

Submissions (3):

Labcorp Genetics (formerly Invitae), Labcorp
Classification: Likely benign for Tatton-Brown-Rahman overgrowth syndrome. Last evaluated: 2025-10-23. Review status: criteria provided, single submitter. Criteria: Invitae Variant Classification Sherloc (09022015). Collection method: clinical testing. Allele origin: germline.

Ambry Genetics
Classification: Likely benign for Inborn genetic diseases. Last evaluated: 2024-11-22. Review status: criteria provided, single submitter. Criteria: Ambry Variant Classification Scheme 2023. Collection method: clinical testing. Allele origin: germline.

PreventionGenetics, part of Exact Sciences
Classification: Likely benign for DNMT3A-related condition. Last evaluated: 2022-03-24. Review status: no assertion criteria provided. Collection method: clinical testing. Allele origin: germline. Not counted in ClinVar's aggregate classification.
Comment: This variant is classified as likely benign based on ACMG/AMP sequence variant interpretation guidelines (Richards et al. 2015 PMID: 25741868, with internal and published modifications).

NM_022552.5(DNMT3A):c.1164C>T (p.His388=)

Gene: DNMT3A (DNA methyltransferase 3 alpha; minus strand). Cytogenetic location: 2p23.3.
Variant type: single nucleotide variant.
Coding change: c.1164C>T on transcript NM_022552.5 (MANE Select); coding-DNA position 1164, C replaced by T.
Protein change: p.His388=; no amino-acid change (histidine 388 retained).
Molecular consequence: synonymous variant. On other transcripts: non-coding transcript variant (1).
Genome position (GRCh38, 1-based): chr2:25,246,735, G>A on the plus strand (C>T on the coding strand, the complement: DNMT3A is on the minus strand). VCF-style: chr2-25246735-G-A. GRCh37 (hg19) VCF-style: chr2-25469604-G-A.
Other names: c.1164C>T, p.His388= (NM_175629.2); c.1164C>T (NM_022552.3); c.708C>T, p.His236= (NM_001320893.1); c.495C>T, p.His165= (NM_001375819.1); c.597C>T, p.His199= (NM_153759.3).
Identifiers: ClinVar variation 767290 (VCV000767290.11), dbSNP rs138150208, ClinGen allele CA1556116.